The following is an entry in ClinVar:

NM_006000.3(TUBA4A):c.1023T>C (p.Ile341=)

Gene: TUBA4A (tubulin alpha 4a; minus strand). Cytogenetic location: 2q35.
Variant type: single nucleotide variant.
Coding change: c.1023T>C on transcript NM_006000.3 (MANE Select); coding-DNA position 1023, T replaced by C.
Protein change: p.Ile341=; no amino-acid change (isoleucine 341 retained).
Molecular consequence: synonymous variant.
Genome position (GRCh38, 1-based): chr2:219,250,676, A>G on the plus strand (T>C on the coding strand, the complement: TUBA4A is on the minus strand). VCF-style: chr2-219250676-A-G. GRCh37 (hg19) VCF-style: chr2-220115398-A-G.
Other names: c.978T>C, p.Ile326= (NM_001278552.2).
Identifiers: ClinVar variation 3030363 (VCV003030363.2), dbSNP rs1574883881, ClinGen allele CA431426181.
Genomic context (GRCh38, chr2:219,250,676, plus strand): 5'-AGTGGGAGGCTGGTAGTTGATACCAACCTTGAAGCCTGTGGGGCACCAGTCCACAAACTG[A>G]ATGCTGCGCTTGGTCTTGATGGCGGCAATGGCAGCGTTGACATCCTTGGGCACCACATCT-3'
Protein context (NP_005991.1, residues 331-351): AIAAIKTKRS[Ile341=]QFVDWCPTGF

ClinVar aggregate classification (germline): Likely benign (0 of 4 stars; one submission).

Conditions:
TUBA4A-related disorder. Also called: TUBA4A-related condition.

Submission:

PreventionGenetics, part of Exact Sciences
Classification: Likely benign for TUBA4A-related condition. Last evaluated: 2023-10-03. Review status: no assertion criteria provided. Collection method: clinical testing. Allele origin: germline.
Comment: This variant is classified as likely benign based on ACMG/AMP sequence variant interpretation guidelines (Richards et al. 2015 PMID: 25741868, with internal and published modifications).